The following is an entry in ClinVar:

ClinVar aggregate classification (germline): Likely pathogenic (0 of 4 stars; one submission).

Conditions:
POLE-related disorder. Also called: POLE-related condition; POLE-related disorders.

Submission:

PreventionGenetics, part of Exact Sciences
Classification: Likely pathogenic for POLE-related condition. Last evaluated: 2023-12-13. Review status: no assertion criteria provided. Collection method: clinical testing. Allele origin: germline.
Comment: The POLE c.4150-19_4156del26 variant is predicted to result in a deletion affecting a canonical splice site. To our knowledge, this variant has not been reported in the literature, ClinVar, or in a large population database, indicating this variant is rare. Pathogenic variants in POLE leading to loss of POLE protein function have been reported in individuals with autosomal recessive intrauterine growth retardation, metaphyseal dysplasia, adrenal hypoplasia congenita, genital anomalies, and immunodeficiency (IMAGe-I) syndrome (Pachlopnik Schmid et al. 2012. PubMed ID: 23230001; Thiffault et al. 2015. PubMed ID: 25948378; Long et al. 2018. PubMed ID: 30503519; Nakano et al. 2022. PubMed ID: 35534205). This variant is interpreted as likely pathogenic for autosomal recessive IMAGe-I syndrome and as a variant of uncertain significance for autosomal dominant POLE-associated disorders.

NM_006231.4(POLE):c.4150-19_4156del

Gene: POLE (DNA polymerase epsilon, catalytic subunit; minus strand). Cytogenetic location: 12q24.33.
Variant type: Deletion.
Coding change: c.4150-19_4156del on transcript NM_006231.4 (MANE Select); 19 bases into the intron before coding-DNA position 4150 through coding-DNA position 4156, 26 bases deleted (ATCGTCGTATTCTCGCCAGGTAAATC).
Molecular consequence: splice acceptor variant.
Genome position (GRCh38, 1-based): chr12:132,643,971-132,643,996, GATTTACCTGGCGAGAATACGACGAT deleted on the plus strand (ATCGTCGTATTCTCGCCAGGTAAATC on the coding strand, the reverse complement: POLE is on the minus strand); deleting any 26 consecutive bases within chr12:132,643,971-132,643,999 gives the same sequence; the c. name uses the placement nearest the transcript's 3' end. VCF-style (leftmost placement, unchanged base first): chr12-132643970-CGATTTACCTGGCGAGAATACGACGAT-C. GRCh37 (hg19) VCF-style: chr12-133220556-CGATTTACCTGGCGAGAATACGACGAT-C.
Identifiers: ClinVar variation 3033450 (VCV003033450.2), dbSNP rs2541903490, ClinGen allele CA2740097627.